The following is an entry in ClinVar:

ClinVar aggregate classification (germline): Uncertain significance (1 of 4 stars; one submission).

Conditions:
Hermansky-Pudlak syndrome 2 (HPS2). Also called: Platelet defects and oculocutaneous albinism. Identifiers: Orphanet 183678, Orphanet 79430, MedGen C1842362, MONDO:0011997, OMIM 608233.

Allele frequency attached by ClinVar (database versions not stated): TOPMed below 0.00001.

Submission:

Labcorp Genetics (formerly Invitae), Labcorp
Classification: Uncertain significance for Hermansky-Pudlak syndrome 2. Last evaluated: 2021-12-25. Review status: criteria provided, single submitter. Criteria: Invitae Variant Classification Sherloc (09022015). Collection method: clinical testing. Allele origin: germline.
Comment: This sequence change replaces isoleucine, which is neutral and non-polar, with threonine, which is neutral and polar, at codon 189 of the AP3B1 protein (p.Ile189Thr). This variant is not present in population databases (gnomAD no frequency). This variant has not been reported in the literature in individuals affected with AP3B1-related conditions. Algorithms developed to predict the effect of missense changes on protein structure and function are either unavailable or do not agree on the potential impact of this missense change (SIFT: "Deleterious"; PolyPhen-2: "Possibly Damaging"; Align-GVGD: "Class C0"). In summary, the available evidence is currently insufficient to determine the role of this variant in disease. Therefore, it has been classified as a Variant of Uncertain Significance.

NM_003664.5(AP3B1):c.566T>C (p.Ile189Thr)

Gene: AP3B1 (adaptor related protein complex 3 subunit beta 1; minus strand). Cytogenetic location: 5q14.1.
Variant type: single nucleotide variant.
Coding change: c.566T>C on transcript NM_003664.5 (MANE Select); coding-DNA position 566, T replaced by C.
Protein change: p.Ile189Thr; replaces isoleucine 189 with threonine.
Molecular consequence: missense variant.
Genome position (GRCh38, 1-based): chr5:78,225,579, A>G on the plus strand (T>C on the coding strand, the complement: AP3B1 is on the minus strand). VCF-style: chr5-78225579-A-G. GRCh37 (hg19) VCF-style: chr5-77521403-A-G.
Other names: c.566T>C, p.Ile189Thr (NM_001410752.1); c.419T>C, p.Ile140Thr (NM_001271769.2); short protein forms I140T, I189T.
Identifiers: ClinVar variation 1936288 (VCV001936288.5), dbSNP rs1746368601, ClinGen allele CA360191209.